The following is an entry in ClinVar:

ClinVar aggregate classification (germline): Uncertain significance (1 of 4 stars; one submission).

Conditions:
Hereditary cancer-predisposing syndrome. Also called: Hereditary Cancer Syndrome; Hereditary neoplastic syndrome; Neoplastic Syndromes, Hereditary; Tumor predisposition. Identifiers: Orphanet 140162, MedGen C0027672, MeSH D009386, MONDO:0015356.

Submission:

Ambry Genetics
Classification: Uncertain significance for Hereditary cancer-predisposing syndrome. Last evaluated: 2017-10-17. Review status: criteria provided, single submitter. Criteria: Ambry Variant Classification Scheme 2023. Collection method: clinical testing. Allele origin: germline.
Comment: The p.D1405V variant (also known as c.4214A>T), located in coding exon 23 of the PTCH1 gene, results from an A to T substitution at nucleotide position 4214. The aspartic acid at codon 1405 is replaced by valine, an amino acid with highly dissimilar properties. This amino acid position is not well conserved in available vertebrate species. In addition, the in silico prediction for this alteration is inconclusive. Since supporting evidence is limited at this time, the clinical significance of this alteration remains unclear.

NM_000264.5(PTCH1):c.4214A>T (p.Asp1405Val)

Gene: PTCH1 (patched 1; minus strand). Cytogenetic location: 9q22.32.
Variant type: single nucleotide variant.
Coding change: c.4214A>T on transcript NM_000264.5 (MANE Select); coding-DNA position 4214, A replaced by T.
Protein change: p.Asp1405Val; replaces aspartic acid 1405 with valine.
Molecular consequence: missense variant. On other transcripts: non-coding transcript variant (1).
Genome position (GRCh38, 1-based): chr9:95,447,042, T>A on the plus strand (A>T on the coding strand, the complement: PTCH1 is on the minus strand). VCF-style: chr9-95447042-T-A. GRCh37 (hg19) VCF-style: chr9-98209324-T-A.
Other names: c.4016A>T, p.Asp1339Val (NM_001083602.3); c.4211A>T, p.Asp1404Val (NM_001083603.3); c.3761A>T, p.Asp1254Val (NM_001083604.3, NM_001083605.3, NM_001083606.3 and 1 more transcripts); c.4058A>T, p.Asp1353Val (NM_001354918.2); short protein forms D1339V, D1404V, D1353V, D1254V, D1405V.
Identifiers: ClinVar variation 1738770 (VCV001738770.2), dbSNP rs2136573158, ClinGen allele CA374110102.